The following is an entry in ClinVar:

ClinVar aggregate classification (germline): Uncertain significance. Review status: criteria provided, multiple submitters, no conflicts (2 of 4 stars). 2 submissions from 2 submitters: Uncertain significance (2). Last evaluated 2025-07-03.

Conditions:
Hereditary cancer-predisposing syndrome. Also called: Hereditary Cancer Syndrome; Tumor predisposition; Hereditary neoplastic syndrome; Neoplastic Syndromes, Hereditary. Identifiers: Orphanet 140162, MedGen C0027672, MeSH D009386, MONDO:0015356.
Familial adenomatous polyposis 1 (FAP1). Also called: FAMILIAL ADENOMATOUS POLYPOSIS 1, ATTENUATED; POLYPOSIS, ADENOMATOUS INTESTINAL. Identifiers: MedGen C2713442, MONDO:0021056, OMIM 175100. Disease mechanism: loss of function.

Submissions (2):

Ambry Genetics
Classification: Uncertain significance for Hereditary cancer-predisposing syndrome. Last evaluated: 2025-07-03. Review status: criteria provided, single submitter. Criteria: Ambry Variant Classification Scheme 2023. Collection method: clinical testing. Allele origin: germline.
Comment: The p.K2081R variant (also known as c.6242A>G), located in coding exon 15 of the APC gene, results from an A to G substitution at nucleotide position 6242. The lysine at codon 2081 is replaced by arginine, an amino acid with highly similar properties. This amino acid position is conserved. In addition, in silico predictors for this gene do not accurately predict pathogenicity. Based on the available evidence, the clinical significance of this variant remains unclear.

Labcorp Genetics (formerly Invitae), Labcorp
Classification: Uncertain significance for Familial adenomatous polyposis 1. Last evaluated: 2018-08-09. Review status: criteria provided, single submitter. Criteria: Invitae Variant Classification Sherloc (09022015). Collection method: clinical testing. Allele origin: germline.
Comment: This sequence change replaces lysine with arginine at codon 2081 of the APC protein (p.Lys2081Arg). The lysine residue is moderately conserved and there is a small physicochemical difference between lysine and arginine. This variant is not present in population databases (ExAC no frequency). This variant has not been reported in the literature in individuals with APC-related disease. Algorithms developed to predict the effect of missense changes on protein structure and function output the following: SIFT: "Tolerated"; PolyPhen-2: "Benign"; Align-GVGD: "Class C0". The arginine amino acid residue is found in multiple mammalian species, suggesting that this missense change does not adversely affect protein function. These predictions have not been confirmed by published functional studies and their clinical significance is uncertain. In summary, the available evidence is currently insufficient to determine the role of this variant in disease. Therefore, it has been classified as a Variant of Uncertain Significance.

NM_000038.6(APC):c.6242A>G (p.Lys2081Arg)

Gene: APC (APC regulator of Wnt signaling pathway; plus strand). Cytogenetic location: 5q22.2.
Variant type: single nucleotide variant.
Coding change: c.6242A>G on transcript NM_000038.6 (MANE Select); coding-DNA position 6242, A replaced by G.
Protein change: p.Lys2081Arg; replaces lysine 2081 with arginine.
Molecular consequence: missense variant.
Genome position (GRCh38, 1-based): chr5:112,841,836, A>G. VCF-style: chr5-112841836-A-G. GRCh37 (hg19) VCF-style: chr5-112177533-A-G.
Other names: c.6158A>G, p.Lys2053Arg (NM_001354899.2); c.6119A>G, p.Lys2040Arg (NM_001354900.2); c.6242A>G, p.Lys2081Arg (NM_001127510.3, NM_001354895.2); c.6188A>G, p.Lys2063Arg (NM_001127511.3); c.6296A>G, p.Lys2099Arg (NM_001354896.2); c.6272A>G, p.Lys2091Arg (NM_001354897.2); c.6167A>G, p.Lys2056Arg (NM_001354898.2); c.6065A>G, p.Lys2022Arg (NM_001354901.2); and 5 more; short protein forms K1921R, K2022R, K2081R, K2091R, K2099R, K1980R, K1990R, K2040R.
Identifiers: ClinVar variation 645570 (VCV000645570.11), dbSNP rs1580668951, ClinGen allele CA16035002.